The following is an entry in ClinVar:

ClinVar aggregate classification (germline): Uncertain significance. Review status: criteria provided, multiple submitters, no conflicts (2 of 4 stars). 2 submissions from 2 submitters: Uncertain significance (2). Last evaluated 2022-11-04.

Conditions:
Hereditary cancer-predisposing syndrome. Also called: Hereditary Cancer Syndrome; Tumor predisposition; Neoplastic Syndromes, Hereditary; Hereditary neoplastic syndrome. Identifiers: Orphanet 140162, MedGen C0027672, MeSH D009386, MONDO:0015356.

gnomAD v4.1: 1 of 1,613,814 alleles (0.000062%); highest among the groups gnomAD compares: Non-Finnish European, 0.000085%; no homozygotes.

Submissions (2):

Ambry Genetics
Classification: Uncertain significance for Hereditary cancer-predisposing syndrome. Last evaluated: 2022-11-04. Review status: criteria provided, single submitter. Criteria: Ambry Variant Classification Scheme 2023. Collection method: clinical testing. Allele origin: germline.
Comment: The p.T94I variant (also known as c.281C>T), located in coding exon 3 of the XRCC2 gene, results from a C to T substitution at nucleotide position 281. The threonine at codon 94 is replaced by isoleucine, an amino acid with similar properties. This amino acid position is conserved. In addition, the in silico prediction for this alteration is inconclusive. Since supporting evidence is limited at this time, the clinical significance of this alteration remains unclear.

Labcorp Genetics (formerly Invitae), Labcorp
Classification: Uncertain significance. Last evaluated: 2021-08-12. Review status: criteria provided, single submitter. Criteria: Invitae Variant Classification Sherloc (09022015). Collection method: clinical testing. Allele origin: germline.
Comment: This variant is not present in population databases (ExAC no frequency). This sequence change replaces threonine with isoleucine at codon 94 of the XRCC2 protein (p.Thr94Ile). The threonine residue is highly conserved and there is a moderate physicochemical difference between threonine and isoleucine. This variant has not been reported in the literature in individuals with XRCC2-related disease. Algorithms developed to predict the effect of missense changes on protein structure and function (SIFT, PolyPhen-2, Align-GVGD) all suggest that this variant is likely to be disruptive, but these predictions have not been confirmed by published functional studies and their clinical significance is uncertain. In summary, the available evidence is currently insufficient to determine the role of this variant in disease. Therefore, it has been classified as a Variant of Uncertain Significance.

NM_005431.2(XRCC2):c.281C>T (p.Thr94Ile)

Gene: XRCC2 (X-ray repair cross complementing 2; minus strand). Cytogenetic location: 7q36.1.
Variant type: single nucleotide variant.
Coding change: c.281C>T on transcript NM_005431.2 (MANE Select); coding-DNA position 281, C replaced by T.
Protein change: p.Thr94Ile; replaces threonine 94 with isoleucine.
Molecular consequence: missense variant.
Genome position (GRCh38, 1-based): chr7:152,649,204, G>A on the plus strand (C>T on the coding strand, the complement: XRCC2 is on the minus strand). VCF-style: chr7-152649204-G-A. GRCh37 (hg19) VCF-style: chr7-152346289-G-A.
Other names: c.281C>T (NM_005431.1); short protein forms T94I.
Identifiers: ClinVar variation 1015648 (VCV001015648.10), dbSNP rs1046631077, ClinGen allele CA169486953.